The following is an entry in ClinVar:

NM_001080442.3(SLC38A8):c.263del (p.Tyr88fs)

Gene: SLC38A8 (solute carrier family 38 member 8; minus strand). Cytogenetic location: 16q23.3.
Variant type: Deletion.
Coding change: c.263del on transcript NM_001080442.3 (MANE Select); coding-DNA position 263, one base deleted (A; older notation c.263delA).
Protein change: p.Tyr88fs; shifts the reading frame from tyrosine 88.
Molecular consequence: frameshift variant.
Genome position (GRCh38, 1-based): chr16:84,036,827, T deleted on the plus strand (A on the coding strand, the reverse complement: SLC38A8 is on the minus strand). VCF-style (leftmost placement, unchanged base first): chr16-84036826-GT-G. GRCh37 (hg19) VCF-style: chr16-84070431-GT-G.
Other names: short protein forms Y88fs.
Identifiers: ClinVar variation 2905217 (VCV002905217.3), dbSNP rs2507668893, ClinGen allele CA2739266928.

ClinVar aggregate classification (germline): Pathogenic (1 of 4 stars; one submission).

Submission:

Labcorp Genetics (formerly Invitae), Labcorp
Classification: Pathogenic. Last evaluated: 2023-02-21. Review status: criteria provided, single submitter. Criteria: Invitae Variant Classification Sherloc (09022015). Collection method: clinical testing. Allele origin: germline.
Comment: For these reasons, this variant has been classified as Pathogenic. This variant has not been reported in the literature in individuals affected with SLC38A8-related conditions. This variant is not present in population databases (gnomAD no frequency). This sequence change creates a premature translational stop signal (p.Tyr88Serfs*27) in the SLC38A8 gene. It is expected to result in an absent or disrupted protein product. Loss-of-function variants in SLC38A8 are known to be pathogenic (PMID: 24290379).

Literature cited by the submitters: PubMed 24290379.